The following is an entry in ClinVar:

NM_001135651.3(EIF2AK2):c.101del (p.Gly34fs)

Gene: EIF2AK2 (eukaryotic translation initiation factor 2 alpha kinase 2; minus strand). Cytogenetic location: 2p22.2.
Variant type: Deletion.
Coding change: c.101del on transcript NM_001135651.3 (MANE Select); coding-DNA position 101, one base deleted (G; older notation c.101delG).
Protein change: p.Gly34fs; shifts the reading frame from glycine 34.
Molecular consequence: frameshift variant.
Genome position (GRCh38, 1-based): chr2:37,147,706, C deleted on the plus strand (G on the coding strand, the reverse complement: EIF2AK2 is on the minus strand); the first of 2 consecutive C bases (chr2:37,147,706-37,147,707); deleting either gives the same sequence. VCF-style (leftmost placement, unchanged base first): chr2-37147705-TC-T. GRCh37 (hg19) VCF-style: chr2-37374848-TC-T.
Other names: c.100delG, p.Gly34Aspfs (NM_001135652.3); c.101del, p.Gly34fs (NM_002759.4); short protein forms G34fs.
Identifiers: ClinVar variation 2022041 (VCV002022041.4), dbSNP rs2465373341, ClinGen allele CA2580066415.

ClinVar aggregate classification (germline): Uncertain significance (1 of 4 stars; one submission).

Submission:

Labcorp Genetics (formerly Invitae), Labcorp
Classification: Uncertain significance. Last evaluated: 2022-12-28. Review status: criteria provided, single submitter. Criteria: Invitae Variant Classification Sherloc (09022015). Collection method: clinical testing. Allele origin: germline.
Comment: In summary, the available evidence is currently insufficient to determine the role of this variant in disease. Therefore, it has been classified as a Variant of Uncertain Significance. This variant has not been reported in the literature in individuals affected with EIF2AK2-related conditions. This variant is not present in population databases (gnomAD no frequency). This sequence change creates a premature translational stop signal (p.Gly34Aspfs*13) in the EIF2AK2 gene. It is expected to result in an absent or disrupted protein product. However, the current clinical and genetic evidence is not sufficient to establish whether loss-of-function variants in EIF2AK2 cause disease.